The following is an entry in ClinVar:

ClinVar aggregate classification (germline): Uncertain significance (1 of 4 stars; one submission).

Allele frequency attached by ClinVar (database versions not stated): TOPMed below 0.00001.

Submission:

Labcorp Genetics (formerly Invitae), Labcorp
Classification: Uncertain significance. Last evaluated: 2022-01-21. Review status: criteria provided, single submitter. Criteria: Invitae Variant Classification Sherloc (09022015). Collection method: clinical testing. Allele origin: germline.
Comment: This sequence change replaces serine, which is neutral and polar, with cysteine, which is neutral and slightly polar, at codon 748 of the MYLK3 protein (p.Ser748Cys). This variant is not present in population databases (gnomAD no frequency). This variant has not been reported in the literature in individuals affected with MYLK3-related conditions. Algorithms developed to predict the effect of missense changes on protein structure and function are either unavailable or do not agree on the potential impact of this missense change (SIFT: "Deleterious"; PolyPhen-2: "Probably Damaging"; Align-GVGD: "Class C15"). In summary, the available evidence is currently insufficient to determine the role of this variant in disease. Therefore, it has been classified as a Variant of Uncertain Significance.

NM_182493.3(MYLK3):c.2243C>G (p.Ser748Cys)

Gene: MYLK3 (myosin light chain kinase 3; minus strand). Cytogenetic location: 16q11.2.
Variant type: single nucleotide variant.
Coding change: c.2243C>G on transcript NM_182493.3 (MANE Select); coding-DNA position 2243, C replaced by G.
Protein change: p.Ser748Cys; replaces serine 748 with cysteine.
Molecular consequence: missense variant.
Genome position (GRCh38, 1-based): chr16:46,710,661, G>C on the plus strand (C>G on the coding strand, the complement: MYLK3 is on the minus strand). VCF-style: chr16-46710661-G-C. GRCh37 (hg19) VCF-style: chr16-46744573-G-C.
Other names: c.1220C>G, p.Ser407Cys (NM_001308301.1); short protein forms S748C, S407C.
Identifiers: ClinVar variation 1464996 (VCV001464996.6), dbSNP rs1966673256, ClinGen allele CA395786429.